The following is an entry in ClinVar:

ClinVar aggregate classification (germline): Likely benign (1 of 4 stars; one submission).

Allele frequency attached by ClinVar (database versions not stated): gnomAD exomes below 0.00001.
gnomAD v4.1: 1 of 1,613,536 alleles (0.000062%); highest among the groups gnomAD compares: Non-Finnish European, 0.000085%; no homozygotes.

Submission:

Institute of Human Genetics, FAU Erlangen, Friedrich-Alexander-Universität Erlangen-Nürnberg
Classification: Likely benign. Last evaluated: 2023-06-01. Review status: criteria provided, single submitter. Criteria: Hauer et al. (Genet Med. 2018). Collection method: clinical testing. Allele origin: germline. Inheritance: Unknown mechanism. Affected: yes. Observed: 2 variant alleles.
Comment: This variant has been identified by standard clinical testing.

NM_002576.5(PAK1):c.724C>G (p.Gln242Glu)

Gene: PAK1 (p21 (RAC1) activated kinase 1; minus strand). Cytogenetic location: 11q13.5.
Variant type: single nucleotide variant.
Coding change: c.724C>G on transcript NM_002576.5 (MANE Select); coding-DNA position 724, C replaced by G.
Protein change: p.Gln242Glu; replaces glutamine 242 with glutamic acid.
Molecular consequence: missense variant. On other transcripts: non-coding transcript variant (2), intron variant (1).
Genome position (GRCh38, 1-based): chr11:77,355,716, G>C on the plus strand (C>G on the coding strand, the complement: PAK1 is on the minus strand). VCF-style: chr11-77355716-G-C. GRCh37 (hg19) VCF-style: chr11-77066761-G-C.
Other names: c.724C>G, p.Gln242Glu (NM_001128620.2, NM_001376268.1, NM_001376269.1 and 25 more transcripts); c.745C>G, p.Gln249Glu (NM_001376272.1); c.475C>G, p.Gln159Glu (NM_001376301.1); c.430C>G, p.Gln144Glu (NM_001376302.1, NM_001376304.1, NM_001376305.1); c.597+3182C>G (NM_001376303.1); short protein forms Q144E, Q159E, Q242E, Q249E.
Identifiers: ClinVar variation 2503489 (VCV002503489.1), dbSNP rs2136512216, ClinGen allele CA382167284.